The following is an entry in ClinVar:

ClinVar aggregate classification (germline): Uncertain significance. Review status: criteria provided, single submitter (1 of 4 stars). 2 submissions from 2 submitters: Uncertain significance (1). 1 of the submissions does not count toward it. Last evaluated 2024-07-07.

Conditions:
Rubinstein-Taybi syndrome (RSTS). Identifiers: Orphanet 783, MedGen C0035934, MONDO:0019188.
CREBBP-related disorder. Also called: CREBBP-related condition; CREBBP-related disorders.

Submissions (2):

Labcorp Genetics (formerly Invitae), Labcorp
Classification: Uncertain significance for Rubinstein-Taybi syndrome. Last evaluated: 2024-07-07. Review status: criteria provided, single submitter. Criteria: Invitae Variant Classification Sherloc (09022015). Collection method: clinical testing. Allele origin: germline.
Comment: This sequence change replaces alanine, which is neutral and non-polar, with serine, which is neutral and polar, at codon 254 of the CREBBP protein (p.Ala254Ser). This variant is not present in population databases (gnomAD no frequency). This variant has not been reported in the literature in individuals affected with CREBBP-related conditions. Advanced modeling of protein sequence and biophysical properties (such as structural, functional, and spatial information, amino acid conservation, physicochemical variation, residue mobility, and thermodynamic stability) performed at Invitae indicates that this missense variant is not expected to disrupt CREBBP protein function with a negative predictive value of 95%. In summary, the available evidence is currently insufficient to determine the role of this variant in disease. Therefore, it has been classified as a Variant of Uncertain Significance.

PreventionGenetics, part of Exact Sciences
Classification: Uncertain significance for CREBBP-related condition. Last evaluated: 2024-01-03. Review status: no assertion criteria provided. Collection method: clinical testing. Allele origin: germline. Not counted in ClinVar's aggregate classification.
Comment: The CREBBP c.760G>T variant is predicted to result in the amino acid substitution p.Ala254Ser. To our knowledge, this variant has not been reported in the literature or in a large population database, indicating this variant is rare. At this time, the clinical significance of this variant is uncertain due to the absence of conclusive functional and genetic evidence.

NM_004380.3(CREBBP):c.760G>T (p.Ala254Ser)

Gene: CREBBP (CREB binding lysine acetyltransferase; minus strand). Cytogenetic location: 16p13.3.
Variant type: single nucleotide variant.
Coding change: c.760G>T on transcript NM_004380.3 (MANE Select); coding-DNA position 760, G replaced by T.
Protein change: p.Ala254Ser; replaces alanine 254 with serine.
Molecular consequence: missense variant.
Genome position (GRCh38, 1-based): chr16:3,850,335, C>A on the plus strand (G>T on the coding strand, the complement: CREBBP is on the minus strand). VCF-style: chr16-3850335-C-A. GRCh37 (hg19) VCF-style: chr16-3900336-C-A.
Other names: c.760G>T (NM_004380.2); c.760G>T, p.Ala254Ser (NM_001079846.1); short protein forms A254S.
Identifiers: ClinVar variation 2918144 (VCV002918144.5), dbSNP rs148781922, ClinGen allele CA394559240.